The following is an entry in ClinVar:

NM_019066.5(MAGEL2):c.489T>C (p.Pro163=)

Gene: MAGEL2 (MAGE family member L2; minus strand). Cytogenetic location: 15q11.2.
Variant type: single nucleotide variant.
Coding change: c.489T>C on transcript NM_019066.5 (MANE Select); coding-DNA position 489, T replaced by C.
Protein change: p.Pro163=; no amino-acid change (proline 163 retained).
Molecular consequence: synonymous variant.
Genome position (GRCh38, 1-based): chr15:23,647,254, A>G on the plus strand (T>C on the coding strand, the complement: MAGEL2 is on the minus strand). VCF-style: chr15-23647254-A-G. GRCh37 (hg19) VCF-style: chr15-23892401-A-G.
Identifiers: ClinVar variation 3770447 (VCV003770447.13).

ClinVar aggregate classification (germline): Likely benign (1 of 4 stars; one submission).

gnomAD v4.1: 11 of 1,512,672 alleles (0.00073%); highest among the groups gnomAD compares: South Asian, 0.0061%; no homozygotes.

Submission:

CeGaT Center for Human Genetics Tuebingen
Classification: Likely benign. Last evaluated: 2025-10-01. Review status: criteria provided, single submitter. Criteria: CeGaT Center For Human Genetics Tuebingen Variant Classification Criteria Version 2. Collection method: clinical testing. Allele origin: germline. Affected: yes. Observed: 3 variant alleles.
Comment: MAGEL2: BP4, BP7